The following continues an entry in ClinVar:

NM_000059.4(BRCA2):c.7007+5G>A

Gene: BRCA2. ClinVar aggregate classification (germline): Conflicting classifications of pathogenicity. Pathogenic (1); Likely pathogenic (5); Uncertain significance (3).

Submissions 7 to 15 of 15:

ARUP Laboratories, Molecular Genetics and Genomics, ARUP Laboratories
Classification: Likely pathogenic. Last evaluated: 2023-06-14. Review status: criteria provided, single submitter. Criteria: ARUP Molecular Germline Variant Investigation Process 2024. Collection method: clinical testing. Allele origin: germline.
Comment: The BRCA2 c.7007+5G>A variant (rs81002816) is reported in the literature in individuals affected with breast, ovarian, and pancreatic cancer (Puccini 2022, Santonocito 2020, Tsai 2019, Zuntini 2018). This variant has also been reported in three men who did not have colon or breast cancer (Tsai 2019). This variant is also reported in ClinVar (Variation ID: 52239), and is absent from the Genome Aggregation Database, indicating it is not a common polymorphism. Additionally, another variant at this position (c.7007+5G>C) has been reported as likely pathogenic (Parsons 2019). Functional analyses using lymphoblast cell lines demonstrate that this change can result in exon 12-13 skipping and exon 13 skipping (Casadei 2019). This is an intronic variant in a moderately conserved nucleotide, and computational analyses (Alamut Visual Plus v.1.5.1) predict that this variant may impact splicing by weakening the nearby canonical donor splice site. Based on available information, this variant is considered to be likely pathogenic. References: Casadei S et al. Characterization of splice-altering mutations in inherited predisposition to cancer. Proc Natl Acad Sci U S A. 2019 Dec 26;116(52):26798-26807. PMID: 31843900. Parsons MT et al. Large scale multifactorial likelihood quantitative analysis of BRCA1 and BRCA2 variants: An ENIGMA resource to support clinical variant classification. Hum Mutat. 2019 Sep;40(9):1557-1578. PMID: 31131967. Puccini A et al. Clinical Significance of Germline Pathogenic Variants among 51 Cancer Predisposition Genes in an Unselected Cohort of Italian Pancreatic Cancer Patients. Cancers (Basel). 2022 Sep 13;14(18):4447. PMID: 36139606. Santonocito C et al. Spectrum of Germline BRCA1 and BRCA2 Variants Identified in 2351 Ovarian and Breast Cancer Patients Referring to a Reference Cancer Hospital of Rome. Cancers (Basel). 2020 May 19;12(5):1286. PMID: 32438681. Tsai GJ et al. Outcomes of 92 patient-driven family studies for reclassification of variants of uncertain significance. Genet Med. 2019 Jun;21(6):1435-1442. PMID: 30374176. Zuntini R et al. Dealing With BRCA1/2 Unclassified Variants in a Cancer Genetics Clinic: Does Cosegregation Analysis Help? Front Genet. 2018 Sep 11;9:378. PMID: 30254663.

Baylor Genetics
Classification: Uncertain significance for Familial cancer of breast. Last evaluated: 2023-01-12. Review status: criteria provided, single submitter. Criteria: ACMG Guidelines, 2015. Collection method: clinical testing. Allele origin: unknown.

Mayo Clinic Laboratories, Mayo Clinic
Classification: Uncertain significance. Last evaluated: 2022-03-15. Review status: criteria provided, single submitter. Criteria: ACMG Guidelines, 2015. Collection method: clinical testing. Allele origin: germline. Observed: 1 variant allele.
Comment: BP4, PM2

Department of Medical and Surgical Sciences, University of Bologna
Classification: Uncertain significance for Breast-ovarian cancer, familial, susceptibility to, 2. Last evaluated: 2023-09-01. Review status: no assertion criteria provided. Collection method: clinical testing. Allele origin: germline. Affected: yes. Not counted in ClinVar's aggregate classification.
Comment: PM2(Supporting)+PP4(Moderate) according to ACMG/AMP classification guidelines specified for BRCA1 & BRCA2 (Classification Criteria V1.0.0 2023-09-08) (PMID: 38160042)

University of Washington Department of Laboratory Medicine, University of Washington
Classification: Pathogenic for Breast-ovarian cancer, familial 2. Last evaluated: 2019-10-28. Review status: no assertion criteria provided. Collection method: research. Allele origin: maternal. Inheritance: Autosomal dominant inheritance. Affected: no. Not counted in ClinVar's aggregate classification.
Comment: Functional studies using RNA from a known carrier of this variant showed that this variant results in 70% of the BRCA2 transcript from the variant allele to have altered splicing. This analysis was performed in conjunction with the family studies project as part of the University of Washington Find My Variant study. Taken together with frequency and in-silico predictions this variant is considered likely pathogenic.

Functional studies using RNA from a known carrier of this variant showed that this variant results in 70% of the BRCA2 transcript from the variant allele to have altered splicing. This analysis was performed in conjunction with the family studies project as part of the University of Washington Find My Variant study. Taken together with freuquency and in-silico predictions this variant is considered likely pathogenic.

King Laboratory, University of Washington
Classification: Pathogenic for Hereditary breast and ovarian cancer syndrome; Breast-ovarian cancer, familial 2. Last evaluated: 2019-09-01. Review status: no assertion criteria provided. Collection method: research. Allele origin: germline. Affected: yes. Not counted in ClinVar's aggregate classification.
Comment: Transcript analysis by cBROCA

Foulkes Cancer Genetics LDI, Lady Davis Institute for Medical Research
Classification: Uncertain significance for Breast and/or ovarian cancer. Last evaluated: 2015-06-05. Review status: no assertion criteria provided. Collection method: clinical testing. Allele origin: germline. Study: The Canadian Open Genetics Repository (COGR). Not counted in ClinVar's aggregate classification.

Sharing Clinical Reports Project (SCRP)
Classification: Uncertain significance for Breast-ovarian cancer, familial 2. Last evaluated: 2012-05-01. Review status: no assertion criteria provided. Collection method: clinical testing. Allele origin: germline. Not counted in ClinVar's aggregate classification.

Breast Cancer Information Core (BIC) (BRCA2)
Classification: Uncertain significance for Breast-ovarian cancer, familial 2. Last evaluated: 2004-02-20. Review status: no assertion criteria provided. Collection method: clinical testing. Allele origin: germline. Affected: yes. Observed: 1 variant allele. Not counted in ClinVar's aggregate classification.

Literature cited by the submitters: PubMed 30254663 (cited by 3 submitters); PubMed 17576681 (cited by Labcorp Genetics (formerly Invitae), Labcorp); PubMed 9536098 (cited by Labcorp Genetics (formerly Invitae), Labcorp); PubMed 31843900 (cited by 4 submitters); PubMed 18824701 (cited by Ambry Genetics); PubMed 30374176 (cited by Ambry Genetics and Women's Health and Genetics/Laboratory Corporation of America, LabCorp); PubMed 32438681 (cited by Ambry Genetics and Women's Health and Genetics/Laboratory Corporation of America, LabCorp); PubMed 36139606 (cited by Women's Health and Genetics/Laboratory Corporation of America, LabCorp); PubMed 37713444 (cited by Women's Health and Genetics/Laboratory Corporation of America, LabCorp); PubMed 12900794 (cited by University of Washington Department of Laboratory Medicine, University of Washington).